The following is an entry in ClinVar:

ClinVar aggregate classification (germline): Conflicting classifications of pathogenicity. Review status: criteria provided, conflicting classifications (1 of 4 stars). 2 submissions from 2 submitters: Uncertain significance (1); Likely benign (1). Last evaluated 2025-06-10.

Conditions:
Inborn genetic diseases. Identifiers: MedGen C0950123, MeSH D030342.

Allele frequency attached by ClinVar (database versions not stated): gnomAD 0.00001; gnomAD exomes 0.00001; TOPMed 0.00001; ExAC 0.00002.
gnomAD v4.1: 17 of 1,614,054 alleles (0.0011%); highest among the groups gnomAD compares: East Asian, 0.018%; no homozygotes.

Submissions (2):

Ambry Genetics
Classification: Likely benign for Inborn genetic diseases. Last evaluated: 2025-06-10. Review status: criteria provided, single submitter. Criteria: Ambry Variant Classification Scheme 2023. Collection method: clinical testing. Allele origin: germline.

Labcorp Genetics (formerly Invitae), Labcorp
Classification: Uncertain significance. Last evaluated: 2024-09-05. Review status: criteria provided, single submitter. Criteria: Invitae Variant Classification Sherloc (09022015). Collection method: clinical testing. Allele origin: germline.
Comment: This sequence change replaces isoleucine, which is neutral and non-polar, with threonine, which is neutral and polar, at codon 1084 of the COL4A2 protein (p.Ile1084Thr). This variant is present in population databases (rs771420771, gnomAD 0.03%). This variant has not been reported in the literature in individuals affected with COL4A2-related conditions. ClinVar contains an entry for this variant (Variation ID: 1928141). Invitae Evidence Modeling of protein sequence and biophysical properties (such as structural, functional, and spatial information, amino acid conservation, physicochemical variation, residue mobility, and thermodynamic stability) indicates that this missense variant is not expected to disrupt COL4A2 protein function with a negative predictive value of 95%. In summary, the available evidence is currently insufficient to determine the role of this variant in disease. Therefore, it has been classified as a Variant of Uncertain Significance.

NM_001846.4(COL4A2):c.3251T>C (p.Ile1084Thr)

Gene: COL4A2 (collagen type IV alpha 2 chain; plus strand). Cytogenetic location: 13q34.
Variant type: single nucleotide variant.
Coding change: c.3251T>C on transcript NM_001846.4 (MANE Select); coding-DNA position 3251, T replaced by C.
Protein change: p.Ile1084Thr; replaces isoleucine 1084 with threonine.
Molecular consequence: missense variant.
Genome position (GRCh38, 1-based): chr13:110,489,488, T>C. VCF-style: chr13-110489488-T-C. GRCh37 (hg19) VCF-style: chr13-111141835-T-C.
Other names: c.3251T>C (NM_001846.2); short protein forms I1084T.
Identifiers: ClinVar variation 1928141 (VCV001928141.6), dbSNP rs771420771, ClinGen allele CA7050129.